The following is an entry in ClinVar:

NM_000081.4(LYST):c.2630G>C (p.Gly877Ala)

Gene: LYST (lysosomal trafficking regulator; minus strand). Cytogenetic location: 1q42.3.
Variant type: single nucleotide variant.
Coding change: c.2630G>C on transcript NM_000081.4 (MANE Select); coding-DNA position 2630, G replaced by C.
Protein change: p.Gly877Ala; replaces glycine 877 with alanine.
Molecular consequence: missense variant.
Genome position (GRCh38, 1-based): chr1:235,806,506, C>G on the plus strand (G>C on the coding strand, the complement: LYST is on the minus strand). VCF-style: chr1-235806506-C-G. GRCh37 (hg19) VCF-style: chr1-235969806-C-G.
Other names: c.2630G>C, p.Gly877Ala (NM_001301365.1); short protein forms G877A.
Identifiers: ClinVar variation 296420 (VCV000296420.12), dbSNP rs886046180, ClinGen allele CA10609402.

ClinVar aggregate classification (germline): Uncertain significance. Review status: criteria provided, multiple submitters, no conflicts (2 of 4 stars). 2 submissions from 2 submitters: Uncertain significance (2). Last evaluated 2021-07-09.

Conditions:
Chédiak-Higashi syndrome (CHS). Also called: Chediak-Higashi Syndrome. Identifiers: Orphanet 167, MedGen C0007965, MONDO:0008963, OMIM 214500.

gnomAD v4.1: 4 of 1,613,966 alleles (0.00025%); highest among the groups gnomAD compares: Non-Finnish European, 0.00034%; no homozygotes.

Submissions (2):

Labcorp Genetics (formerly Invitae), Labcorp
Classification: Uncertain significance for Chédiak-Higashi syndrome. Last evaluated: 2021-07-09. Review status: criteria provided, single submitter. Criteria: Invitae Variant Classification Sherloc (09022015). Collection method: clinical testing. Allele origin: germline.
Comment: This sequence change replaces glycine with alanine at codon 877 of the LYST protein (p.Gly877Ala). The glycine residue is weakly conserved and there is a small physicochemical difference between glycine and alanine. This variant is not present in population databases (ExAC no frequency). This variant has not been reported in the literature in individuals affected with LYST-related conditions. ClinVar contains an entry for this variant (Variation ID: 296420). Algorithms developed to predict the effect of missense changes on protein structure and function (SIFT, PolyPhen-2, Align-GVGD) all suggest that this variant is likely to be tolerated. In summary, the available evidence is currently insufficient to determine the role of this variant in disease. Therefore, it has been classified as a Variant of Uncertain Significance.

Illumina Laboratory Services, Illumina
Classification: Uncertain significance for Chédiak-Higashi syndrome. Last evaluated: 2018-01-13. Review status: criteria provided, single submitter. Criteria: ICSL Variant Classification Criteria 13 December 2019. Collection method: clinical testing. Allele origin: germline.